The following is an entry in ClinVar:

ClinVar aggregate classification (germline): Likely benign. Review status: criteria provided, multiple submitters, no conflicts (2 of 4 stars). 3 submissions from 3 submitters: Likely benign (3). Last evaluated 2025-10-30.

Conditions:
TTN-related disorder. Also called: TTN-related disorders; TTN-related condition; TTN-related disease.

Allele frequency attached by ClinVar (database versions not stated): TOPMed 0.00003; gnomAD 0.00004; gnomAD exomes 0.00004 and 0.00008; ExAC 0.00010.
gnomAD v4.1: 68 of 1,612,626 alleles (0.0042%); highest among the groups gnomAD compares: Non-Finnish European, 0.00085%; no homozygotes.

Submissions (3):

PreventionGenetics, part of Exact Sciences
Classification: Likely benign for TTN-related condition. Last evaluated: 2025-10-30. Review status: criteria provided, single submitter. Criteria: ACMG Guidelines, 2015. Collection method: clinical testing. Allele origin: germline.
Comment: This variant is classified as likely benign based on ACMG/AMP sequence variant interpretation guidelines (Richards et al. 2015 PMID: 25741868, with internal and published modifications).

Blueprint Genetics
Classification: Likely benign. Last evaluated: 2020-04-23. Review status: criteria provided, single submitter. Criteria: ACMG Guidelines, 2015. Collection method: clinical testing. Allele origin: germline.

Laboratory for Molecular Medicine, Mass General Brigham Personalized Medicine
Classification: Likely benign. Last evaluated: 2015-03-24. Review status: criteria provided, single submitter. Criteria: LMM Criteria. Collection method: clinical testing. Allele origin: germline. Observed: 1 variant allele.
Comment: p.Leu4003Phe in exon 45A of TTN: This variant is not expected to have clinical s ignificance due to a lack of conservation across species, including mammals. Of note, >40 mammals have a phenylalanine (Phe) at this position despite high nearb y amino acid conservation. This variant has also been identified in 12/66524 Eur opean chromosomes by the Exome Aggregation Consortium (ExAC; dbSNP rs200550488).

NM_133379.5(TTN):c.12007C>T (p.Leu4003Phe)

Gene: TTN (titin; minus strand). Cytogenetic location: 2q31.2.
Variant type: single nucleotide variant.
Coding change: c.12007C>T on transcript NM_133379.5; coding-DNA position 12007, C replaced by T.
Protein change: p.Leu4003Phe; replaces leucine 4003 with phenylalanine.
Molecular consequence: missense variant. On other transcripts: intron variant (6).
Genome position (GRCh38, 1-based): chr2:178,750,393, G>A on the plus strand (C>T on the coding strand, the complement: TTN is on the minus strand). VCF-style: chr2-178750393-G-A. GRCh37 (hg19) VCF-style: chr2-179615120-G-A.
Other names: c.10222+2731C>T (NM_003319.4); c.10798+2731C>T (NM_133437.4); c.10597+2731C>T (NM_133432.3); c.10360+2731C>T (NM_133378.4, NM_001256850.1); c.11311+2731C>T (NM_001267550.2); c.12007C>T (NM_133379.4); short protein forms L4003F.
Identifiers: ClinVar variation 228182 (VCV000228182.7), dbSNP rs200550488, ClinGen allele CA2003633.